The following is an entry in ClinVar:

ClinVar aggregate classification (germline): Uncertain significance (1 of 4 stars; one submission).

Conditions:
Charcot-Marie-Tooth disease type 2. Also called: Charcot-Marie-Tooth type 2. Identifiers: Orphanet 64746, MedGen C0270914, MONDO:0018993.

Allele frequency attached by ClinVar (database versions not stated): ExAC 0.00001; gnomAD exomes 0.00001.
gnomAD v4.1: 2 of 1,614,198 alleles (0.00012%); highest among the groups gnomAD compares: Non-Finnish European, 0.00017%; no homozygotes.

Submission:

Labcorp Genetics (formerly Invitae), Labcorp
Classification: Uncertain significance for Charcot-Marie-Tooth disease type 2. Last evaluated: 2020-03-06. Review status: criteria provided, single submitter. Criteria: Invitae Variant Classification Sherloc (09022015). Collection method: clinical testing. Allele origin: germline.
Comment: In summary, the available evidence is currently insufficient to determine the role of this variant in disease. Therefore, it has been classified as a Variant of Uncertain Significance. The current clinical and genetic evidence is not sufficient to establish whether loss-of-function variants in MED25 cause disease. This variant has not been reported in the literature in individuals with MED25-related disease. This variant is present in population databases (rs749356375, ExAC 0.002%). This sequence change creates a premature translational stop signal (p.Tyr39*) in the MED25 gene. It is expected to result in an absent or disrupted protein product.

NM_030973.4(MED25):c.117C>G (p.Tyr39Ter)

Gene: MED25 (mediator complex subunit 25; plus strand). Cytogenetic location: 19q13.33.
Variant type: single nucleotide variant.
Coding change: c.117C>G on transcript NM_030973.4 (MANE Select); coding-DNA position 117, C replaced by G.
Protein change: p.Tyr39Ter; replaces tyrosine 39 with a stop codon.
Molecular consequence: nonsense.
Genome position (GRCh38, 1-based): chr19:49,818,458, C>G. VCF-style: chr19-49818458-C-G. GRCh37 (hg19) VCF-style: chr19-50321715-C-G.
Other names: c.117C>G, p.Tyr39Ter (NM_001378355.1); short protein forms Y39*.
Identifiers: ClinVar variation 581510 (VCV000581510.6), dbSNP rs749356375, ClinGen allele CA9584694.